The following is an entry in ClinVar:

NM_001271.4(CHD2):c.1502+4G>A

Gene: CHD2 (chromodomain helicase DNA binding protein 2; plus strand). Cytogenetic location: 15q26.1.
Variant type: single nucleotide variant.
Coding change: c.1502+4G>A on transcript NM_001271.4 (MANE Select); 4 bases into the intron after coding-DNA position 1502, G replaced by A.
Molecular consequence: intron variant. On other transcripts: synonymous variant (1).
Genome position (GRCh38, 1-based): chr15:92,949,080, G>A. VCF-style: chr15-92949080-G-A. GRCh37 (hg19) VCF-style: chr15-93492310-G-A.
Other names: c.1506G>A, p.Ter502= (NM_001042572.3).
Identifiers: ClinVar variation 2031006 (VCV002031006.4), dbSNP rs2505468884, ClinGen allele CA2580090377.
Genomic context (GRCh38, chr15:92,949,080, plus strand): 5'-GGAACTTCGAGATTATCAGCTAGAAGGTCTAAACTGGCTAGCTCATTCCTGGTGCAAGTA[G>A]GTAGAAAAATATGAGTGCAATTTTCCTTACTGTTTCTGGCTTCTTTATTGTTAGATGTCA-3'

ClinVar aggregate classification (germline): Uncertain significance (1 of 4 stars; one submission).

Conditions:
Developmental and epileptic encephalopathy 94 (DEE94). Also called: CHD2-Related Neurodevelopmental Disorders; Epileptic encephalopathy, childhood-onset. Identifiers: Orphanet 1942, Orphanet 2382, MedGen C3809278, MONDO:0014150, OMIM 615369.

Submission:

Labcorp Genetics (formerly Invitae), Labcorp
Classification: Uncertain significance for Developmental and epileptic encephalopathy 94. Last evaluated: 2022-09-17. Review status: criteria provided, single submitter. Criteria: Invitae Variant Classification Sherloc (09022015). Collection method: clinical testing. Allele origin: germline.
Comment: In summary, the available evidence is currently insufficient to determine the role of this variant in disease. Therefore, it has been classified as a Variant of Uncertain Significance. Variants that disrupt the consensus splice site are a relatively common cause of aberrant splicing (PMID: 17576681, 9536098). Algorithms developed to predict the effect of sequence changes on RNA splicing suggest that this variant may disrupt the consensus splice site. This variant has not been reported in the literature in individuals affected with CHD2-related conditions. This variant is not present in population databases (gnomAD no frequency). This sequence change falls in intron 13 of the CHD2 gene. It does not directly change the encoded amino acid sequence of the CHD2 protein. It affects a nucleotide within the consensus splice site.

Literature cited by the submitters: PubMed 17576681; PubMed 9536098.